The following is an entry in ClinVar:

ClinVar aggregate classification (germline): Uncertain significance (0 of 4 stars; one submission).

Conditions:
CACNA1I-related disorder. Also called: CACNA1I-related condition.

Submission:

PreventionGenetics, part of Exact Sciences
Classification: Uncertain significance for CACNA1I-related condition. Last evaluated: 2024-03-22. Review status: no assertion criteria provided. Collection method: clinical testing. Allele origin: germline.
Comment: The CACNA1I c.3724G>A variant is predicted to result in the amino acid substitution p.Val1242Met. To our knowledge, this variant has not been reported in the literature or in a large population database, indicating this variant is rare. At this time, the clinical significance of this variant is uncertain due to the absence of conclusive functional and genetic evidence.

NM_021096.4(CACNA1I):c.3724G>A (p.Val1242Met)

Gene: CACNA1I (calcium voltage-gated channel subunit alpha1 I; plus strand). Cytogenetic location: 22q13.1.
Variant type: single nucleotide variant.
Coding change: c.3724G>A on transcript NM_021096.4 (MANE Select); coding-DNA position 3724, G replaced by A.
Protein change: p.Val1242Met; replaces valine 1242 with methionine.
Molecular consequence: missense variant.
Genome position (GRCh38, 1-based): chr22:39,664,796, G>A. VCF-style: chr22-39664796-G-A. GRCh37 (hg19) VCF-style: chr22-40060801-G-A.
Other names: c.3619G>A, p.Val1207Met (NM_001003406.2); short protein forms V1207M, V1242M.
Identifiers: ClinVar variation 3351274 (VCV003351274.1).